The following is an entry in ClinVar:

NM_004329.3(BMPR1A):c.757_771del (p.Trp253_Lys257del)

Gene: BMPR1A (bone morphogenetic protein receptor type 1A; plus strand). Cytogenetic location: 10q23.2.
Variant type: Deletion.
Coding change: c.757_771del on transcript NM_004329.3 (MANE Select); coding-DNA positions 757 to 771, 15 bases deleted (TGGCGTGGCGAAAAA).
Protein change: p.Trp253_Lys257del.
Molecular consequence: non-coding transcript variant (on NR_176211.1).
Genome position (GRCh38, 1-based): chr10:86,917,215-86,917,229, TGGCGTGGCGAAAAA deleted; deleting any 15 consecutive bases within chr10:86,917,212-86,917,229 gives the same sequence; the c. name uses the placement nearest the transcript's 3' end. VCF-style (leftmost placement, unchanged base first): chr10-86917211-CAAATGGCGTGGCGAA-C. GRCh37 (hg19) VCF-style: chr10-88676968-CAAATGGCGTGGCGAA-C.
Other names: c.757_771del, p.Trp253_Lys257del (NM_001406572.1, NM_001406573.1, NM_001406574.1 and 19 more transcripts); c.751_765del, p.Trp251_Lys255del (NM_001406583.1); c.673_687del, p.Trp225_Lys229del (NM_001406584.1, NM_001406585.1, NM_001406586.1 and 2 more transcripts); c.415_429del, p.Trp139_Lys143del (NM_001406589.1); c.832_846del, p.Trp278_Lys282del (NM_001406559.1); c.805_819del, p.Trp269_Lys273del (NM_001406560.1).
Identifiers: ClinVar variation 3660018 (VCV003660018.2).

ClinVar aggregate classification (germline): Uncertain significance (1 of 4 stars; one submission).

Conditions:
Juvenile polyposis syndrome (JPS). Identifiers: Orphanet 2929, MedGen C0345893, MONDO:0017380, OMIM 174900.

Submission:

Labcorp Genetics (formerly Invitae), Labcorp
Classification: Uncertain significance for Juvenile polyposis syndrome. Last evaluated: 2024-07-20. Review status: criteria provided, single submitter. Criteria: Invitae Variant Classification Sherloc (09022015). Collection method: clinical testing. Allele origin: germline.
Comment: This variant, c.757_771del, results in the deletion of 5 amino acid(s) of the BMPR1A protein (p.Trp253_Lys257del), but otherwise preserves the integrity of the reading frame. This variant is not present in population databases (gnomAD no frequency). This variant has not been reported in the literature in individuals affected with BMPR1A-related conditions. Experimental studies and prediction algorithms are not available or were not evaluated, and the functional significance of this variant is currently unknown. In summary, the available evidence is currently insufficient to determine the role of this variant in disease. Therefore, it has been classified as a Variant of Uncertain Significance.